The following is an entry in ClinVar:

NM_001135022.2(ELMOD3):c.267_268del (p.Gly90fs)

Gene: ELMOD3 (ELMO domain containing 3; plus strand). Cytogenetic location: 2p11.2.
Variant type: Deletion.
Coding change: c.267_268del on transcript NM_001135022.2 (MANE Select); coding-DNA positions 267 to 268, 2 bases deleted (AG; older notation c.267_268delAG).
Protein change: p.Gly90fs; shifts the reading frame from glycine 90.
Molecular consequence: frameshift variant. On other transcripts: non-coding transcript variant (3).
Genome position (GRCh38, 1-based): chr2:85,368,753-85,368,754, AG deleted. VCF-style (leftmost placement, unchanged base first): chr2-85368752-CAG-C. GRCh37 (hg19) VCF-style: chr2-85595875-CAG-C.
Other names: c.267_268del, p.Gly90fs (NM_001135021.2, NM_001135023.2, NM_001329791.2 and 2 more transcripts); c.267_268delAG, p.Gly90Glufs (NM_032213.5); short protein forms G90fs.
Identifiers: ClinVar variation 1948424 (VCV001948424.5), dbSNP rs1406553545, ClinGen allele CA534159576.

ClinVar aggregate classification (germline): Uncertain significance (1 of 4 stars; one submission).

Allele frequency attached by ClinVar (database versions not stated): gnomAD exomes below 0.00001; TOPMed below 0.00001; gnomAD 0.00001.

Submission:

Labcorp Genetics (formerly Invitae), Labcorp
Classification: Uncertain significance. Last evaluated: 2022-07-09. Review status: criteria provided, single submitter. Criteria: Invitae Variant Classification Sherloc (09022015). Collection method: clinical testing. Allele origin: germline.
Comment: This variant is present in population databases (no rsID available, gnomAD 0.0009%). This sequence change creates a premature translational stop signal (p.Gly90Glufs*4) in the ELMOD3 gene. It is expected to result in an absent or disrupted protein product. However, the current clinical and genetic evidence is not sufficient to establish whether loss-of-function variants in ELMOD3 cause disease. In summary, the available evidence is currently insufficient to determine the role of this variant in disease. Therefore, it has been classified as a Variant of Uncertain Significance. Algorithms developed to predict the effect of sequence changes on RNA splicing suggest that this variant may disrupt the consensus splice site. This variant has not been reported in the literature in individuals affected with ELMOD3-related conditions.